The following is an entry in ClinVar:

ClinVar aggregate classification (germline): Uncertain significance (1 of 4 stars; one submission).

Conditions:
Microcephaly-intellectual disability-sensorineural hearing loss-epilepsy-abnormal muscle tone syndrome (NEDHSB). Also called: NEURODEVELOPMENTAL DISORDER WITH HEARING LOSS, SEIZURES, AND BRAIN ABNORMALITIES. Identifiers: Orphanet 457351, MedGen C4225276, MONDO:0014698, OMIM 616577.

Allele frequency attached by ClinVar (database versions not stated): gnomAD exomes below 0.00001; TOPMed below 0.00001; ExAC 0.00001; gnomAD 0.00001; 1000 Genomes Project 0.00020.

Submission:

Labcorp Genetics (formerly Invitae), Labcorp
Classification: Uncertain significance for Microcephaly-intellectual disability-sensorineural hearing loss-epilepsy-abnormal muscle tone syndrome. Last evaluated: 2019-06-13. Review status: criteria provided, single submitter. Criteria: Invitae Variant Classification Sherloc (09022015). Collection method: clinical testing. Allele origin: germline.
Comment: This sequence change replaces histidine with tyrosine at codon 446 of the SPATA5 protein (p.His446Tyr). The histidine residue is moderately conserved and there is a moderate physicochemical difference between histidine and tyrosine. This variant is present in population databases (rs536233030, ExAC 0.01%). This variant has not been reported in the literature in individuals with SPATA5-related conditions. Algorithms developed to predict the effect of missense changes on protein structure and function are either unavailable or do not agree on the potential impact of this missense change (SIFT: Tolerated; PolyPhen-2: Possibly Damaging; Align-GVGD: Class C0). In summary, the available evidence is currently insufficient to determine the role of this variant in disease. Therefore, it has been classified as a Variant of Uncertain Significance.

NM_145207.3(AFG2A):c.1336C>T (p.His446Tyr)

Gene: AFG2A (AFG2 AAA ATPase homolog A; plus strand). Cytogenetic location: 4q28.1.
Variant type: single nucleotide variant.
Coding change: c.1336C>T on transcript NM_145207.3 (MANE Select); coding-DNA position 1336, C replaced by T.
Protein change: p.His446Tyr; replaces histidine 446 with tyrosine.
Molecular consequence: missense variant.
Genome position (GRCh38, 1-based): chr4:122,938,127, C>T. VCF-style: chr4-122938127-C-T. GRCh37 (hg19) VCF-style: chr4-123859282-C-T.
Other names: c.1333C>T, p.His445Tyr (NM_001317799.2, NM_001345856.2); short protein forms H446Y, H445Y.
Identifiers: ClinVar variation 947944 (VCV000947944.2), dbSNP rs536233030, ClinGen allele CA3070438.